The following is an entry in ClinVar:

NM_000218.3(KCNQ1):c.208C>A (p.Pro70Thr)

Gene: KCNQ1 (potassium voltage-gated channel subfamily Q member 1; plus strand). Cytogenetic location: 11p15.5.
Variant type: single nucleotide variant.
Coding change: c.208C>A on transcript NM_000218.3 (MANE Select); coding-DNA position 208, C replaced by A.
Protein change: p.Pro70Thr; replaces proline 70 with threonine.
Molecular consequence: missense variant.
Genome position (GRCh38, 1-based): chr11:2,445,306, C>A. VCF-style: chr11-2445306-C-A. GRCh37 (hg19) VCF-style: chr11-2466536-C-A.
Other names: p.P70T:CCC>ACC; short protein forms P70T.
Identifiers: ClinVar variation 200871 (VCV000200871.3), dbSNP rs794728548, ClinGen allele CA006703.
Genomic context (GRCh38, chr11:2,445,306, plus strand): 5'-CTCTACGCGCCCATCGCGCCCGGCGCCCCAGGTCCCGCGCCCCCTGCGTCCCCGGCCGCG[C>A]CCGCCGCGCCCCCAGTTGCCTCCGACCTTGGCCCGCGGCCGCCGGTGAGCCTAGACCCGC-3'
Protein context (NP_000209.2, residues 60-80): GPAPPASPAA[Pro70Thr]AAPPVASDLG

ClinVar aggregate classification (germline): Uncertain significance. Review status: criteria provided, multiple submitters, no conflicts (2 of 4 stars). 2 submissions from 2 submitters: Uncertain significance (2). Last evaluated 2025-11-21.

Conditions:
Long QT syndrome (LQTS). Identifiers: MedGen C0023976, MeSH D008133, MONDO:0002442. Disease mechanism: loss of function. Inheritance: Various modes of inheritance.

Allele frequency attached by ClinVar (database versions not stated): gnomAD exomes below 0.00001; TOPMed below 0.00001.
gnomAD v4.1: 1 of 1,446,722 alleles (0.000069%); highest among the groups gnomAD compares: Non-Finnish European, 0.000091%; no homozygotes.

Submissions (2):

Labcorp Genetics (formerly Invitae), Labcorp
Classification: Uncertain significance for Long QT syndrome. Last evaluated: 2025-11-21. Review status: criteria provided, single submitter. Criteria: Invitae Variant Classification Sherloc (09022015). Collection method: clinical testing. Allele origin: germline.
Comment: This sequence change replaces proline, which is neutral and non-polar, with threonine, which is neutral and polar, at codon 70 of the KCNQ1 protein (p.Pro70Thr). This variant is not present in population databases (gnomAD no frequency). This variant has not been reported in the literature in individuals affected with KCNQ1-related conditions. ClinVar contains an entry for this variant (Variation ID: 200871). Invitae Evidence Modeling of protein sequence and biophysical properties (such as structural, functional, and spatial information, amino acid conservation, physicochemical variation, residue mobility, and thermodynamic stability) indicates that this missense variant is not expected to disrupt KCNQ1 protein function with a negative predictive value of 95%. In summary, the available evidence is currently insufficient to determine the role of this variant in disease. Therefore, it has been classified as a Variant of Uncertain Significance.

GeneDx
Classification: Uncertain significance. Last evaluated: 2013-01-29. Review status: criteria provided, single submitter. Criteria: GeneDx Variant Classification (06012015). Collection method: clinical testing. Allele origin: germline. Affected: yes.
Comment: p.Pro70Thr (CCC>ACC): c.208 C>A in exon 1 of the KCNQ1 gene (NM_000218.2). The Pro70Thr variant in the KCNQ1 gene has not been reported as a disease-causing mutation or as a benign polymorphism to our knowledge. Pro70Thr results in a non-conservative amino acid substitution of a non-polar Proline with a neutral, polar Threonine at a position that is conserved across species. Mutations in nearby codons (Ser66Phe, Pro73Thr) have been reported in association with LQTS, supporting the functional importance of this region of the protein. The Pro70Thr variant was not observed in approximately 4,000 individuals of European and African American ancestry in the NHLBI Exome Sequencing Project, indicating it is not a common benign variant in these populations. However, in silico analysis predicts Pro70Thr is benign to the protein structure/function. With the clinical and molecular information available at this time, we cannot definitively determine if Pro70Thr is a disease-causing mutation or a rare benign variant. The variant is found in LQT panel(s).